The following is an entry in ClinVar:

ClinVar aggregate classification (germline): Uncertain significance. Review status: criteria provided, multiple submitters, no conflicts (2 of 4 stars). 2 submissions from 2 submitters: Uncertain significance (2). Last evaluated 2025-08-30.

Conditions:
Inborn genetic diseases. Identifiers: MedGen C0950123, MeSH D030342.

Allele frequency attached by ClinVar (database versions not stated): gnomAD 0.00001; ExAC 0.00005; TOPMed 0.00001.
gnomAD v4.1: 18 of 1,611,852 alleles (0.0011%); highest among the groups gnomAD compares: Non-Finnish European, 0.0015%; no homozygotes.

Submissions (2):

Labcorp Genetics (formerly Invitae), Labcorp
Classification: Uncertain significance. Last evaluated: 2025-08-30. Review status: criteria provided, single submitter. Criteria: Invitae Variant Classification Sherloc (09022015). Collection method: clinical testing. Allele origin: germline.
Comment: This sequence change replaces proline, which is neutral and non-polar, with leucine, which is neutral and non-polar, at codon 143 of the MDH2 protein (p.Pro143Leu). This variant is present in population databases (rs782351277, gnomAD 0.007%). This variant has not been reported in the literature in individuals affected with MDH2-related conditions. ClinVar contains an entry for this variant (Variation ID: 1739411). An algorithm developed to predict the effect of missense changes on protein structure and function (PolyPhen-2) suggests that this variant is likely to be disruptive. In summary, the available evidence is currently insufficient to determine the role of this variant in disease. Therefore, it has been classified as a Variant of Uncertain Significance.

Ambry Genetics
Classification: Uncertain significance for Inborn genetic diseases. Last evaluated: 2024-01-05. Review status: criteria provided, single submitter. Criteria: Ambry Variant Classification Scheme 2023. Collection method: clinical testing. Allele origin: germline.
Comment: The p.P143L variant (also known as c.428C>T), located in coding exon 4 of the MDH2 gene, results from a C to T substitution at nucleotide position 428. The proline at codon 143 is replaced by leucine, an amino acid with similar properties. This amino acid position is conserved. In addition, this alteration is predicted to be deleterious by in silico analysis. Since supporting evidence is limited at this time, the clinical significance of this alteration remains unclear.

NM_005918.4(MDH2):c.428C>T (p.Pro143Leu)

Gene: MDH2 (malate dehydrogenase 2; plus strand). Cytogenetic location: 7q11.23.
Variant type: single nucleotide variant.
Coding change: c.428C>T on transcript NM_005918.4 (MANE Select); coding-DNA position 428, C replaced by T.
Protein change: p.Pro143Leu; replaces proline 143 with leucine.
Molecular consequence: missense variant.
Genome position (GRCh38, 1-based): chr7:76,058,077, C>T. VCF-style: chr7-76058077-C-T. GRCh37 (hg19) VCF-style: chr7-75687395-C-T.
Other names: c.428C>T, p.Pro143Leu (NM_001282403.2); c.107C>T, p.Pro36Leu (NM_001282404.2); short protein forms P143L, P36L.
Identifiers: ClinVar variation 1739411 (VCV001739411.6), dbSNP rs782351277, ClinGen allele CA4305526.
Genomic context (GRCh38, chr7:76,058,077, plus strand): 5'-CCCTGACCGCTGCCTGTGCCCAGCACTGCCCGGAAGCCATGATCTGCGTCATTGCCAATC[C>T]GGTGAGTGTGGCAGCACCCGGCTCTTGCAGCTATGGCAGGTGTTTAGGTGCTGACAGTGC-3'
Protein context (NP_005909.2, residues 133-153): PEAMICVIAN[Pro143Leu]VNSTIPITAE